The following is an entry in ClinVar:

ClinVar aggregate classification (germline): Uncertain significance (1 of 4 stars; one submission).

Allele frequency attached by ClinVar (database versions not stated): gnomAD exomes below 0.00001.
gnomAD v4.1: 6 of 1,614,056 alleles (0.00037%); highest among the groups gnomAD compares: Non-Finnish European, 0.00051%; no homozygotes.

Submission:

Labcorp Genetics (formerly Invitae), Labcorp
Classification: Uncertain significance. Last evaluated: 2022-03-13. Review status: criteria provided, single submitter. Criteria: Invitae Variant Classification Sherloc (09022015). Collection method: clinical testing. Allele origin: germline.
Comment: In summary, the available evidence is currently insufficient to determine the role of this variant in disease. Therefore, it has been classified as a Variant of Uncertain Significance. Algorithms developed to predict the effect of missense changes on protein structure and function (SIFT, PolyPhen-2, Align-GVGD) all suggest that this variant is likely to be disruptive. This variant is also known as c.4934A>C. This missense change has been observed in individual(s) with MYH3-related conditions (PMID: 16642020). This variant is present in population databases (no rsID available, gnomAD 0.0009%). This sequence change replaces aspartic acid, which is acidic and polar, with alanine, which is neutral and non-polar, at codon 1622 of the MYH3 protein (p.Asp1622Ala).

Literature cited by the submitters: PubMed 16642020.

NM_002470.4(MYH3):c.4865A>C (p.Asp1622Ala)

Gene: MYH3 (myosin heavy chain 3; minus strand). Cytogenetic location: 17p13.1.
Variant type: single nucleotide variant.
Coding change: c.4865A>C on transcript NM_002470.4 (MANE Select); coding-DNA position 4865, A replaced by C.
Protein change: p.Asp1622Ala; replaces aspartic acid 1622 with alanine.
Molecular consequence: missense variant.
Genome position (GRCh38, 1-based): chr17:10,632,567, T>G on the plus strand (A>C on the coding strand, the complement: MYH3 is on the minus strand). VCF-style: chr17-10632567-T-G. GRCh37 (hg19) VCF-style: chr17-10535884-T-G.
Other names: short protein forms D1622A.
Identifiers: ClinVar variation 2137921 (VCV002137921.4), dbSNP rs1446303362, ClinGen allele CA398136576.
Genomic context (GRCh38, chr17:10,632,567, plus strand): 5'-TTGAGGGTCTCCGCCGCCTGGCGGTTGGCGTGGCTCAGCTGGATCTCGATTTCATTCAGG[T>G]CCCCCTCCATCTTCTTCTTGAGCCGGATGGCTTCATTCCTGCTCCGCACCTCGGCGTCCA-3'
Protein context (NP_002461.2, residues 1612-1632): AIRLKKKMEG[Asp1622Ala]LNEIEIQLSH